The following is an entry in ClinVar:

ClinVar aggregate classification (germline): Uncertain significance (1 of 4 stars; one submission).

Conditions:
Mucopolysaccharidosis, MPS-II (MPS2). Also called: IDS deficiency; Sulfoiduronate sulfatase deficiency; SIDS deficiency; Mucopolysaccharidosis with skin involvement; Mucopolysaccharidosis type 2; Attenuated MPS (subtype; formerly known as mild MPS II). Identifiers: Orphanet 580, Orphanet 79388, MedGen C0026705, MONDO:0010674, OMIM 309900.

Submission:

Labcorp Genetics (formerly Invitae), Labcorp
Classification: Uncertain significance for Mucopolysaccharidosis, MPS-II. Last evaluated: 2022-07-02. Review status: criteria provided, single submitter. Criteria: Invitae Variant Classification Sherloc (09022015). Collection method: clinical testing. Allele origin: germline.
Comment: This variant is not present in population databases (gnomAD no frequency). In summary, the available evidence is currently insufficient to determine the role of this variant in disease. Therefore, it has been classified as a Variant of Uncertain Significance. Advanced modeling of protein sequence and biophysical properties (such as structural, functional, and spatial information, amino acid conservation, physicochemical variation, residue mobility, and thermodynamic stability) performed at Invitae indicates that this missense variant is expected to disrupt IDS protein function. This variant has not been reported in the literature in individuals affected with IDS-related conditions. This sequence change replaces proline, which is neutral and non-polar, with leucine, which is neutral and non-polar, at codon 261 of the IDS protein (p.Pro261Leu).

NM_000202.8(IDS):c.782C>T (p.Pro261Leu)

Genes: IDS (iduronate 2-sulfatase; minus strand), LOC106050102 (IDS recombination region; plus strand). Cytogenetic location: Xq28.
Variant type: single nucleotide variant.
Coding change: c.782C>T on transcript NM_000202.8 (MANE Select); coding-DNA position 782, C replaced by T.
Protein change: p.Pro261Leu; replaces proline 261 with leucine.
Molecular consequence: missense variant. On other transcripts: non-coding transcript variant (1).
Genome position (GRCh38, 1-based): chrX:149,496,443, G>A on the plus strand (C>T on the coding strand, the complement: IDS is on the minus strand). VCF-style: chrX-149496443-G-A. GRCh37 (hg19) VCF-style: chrX-148577974-G-A.
Other names: c.512C>T, p.Pro171Leu (NM_001166550.4); c.782C>T, p.Pro261Leu (NM_006123.5); short protein forms P171L, P261L.
Identifiers: ClinVar variation 2044373 (VCV002044373.4), dbSNP rs2520851396, ClinGen allele CA414521957.